The following is an entry in ClinVar:

ClinVar aggregate classification (germline): Pathogenic (1 of 4 stars; one submission).

Conditions:
Familial cancer of breast. Also called: BREAST CANCER, FAMILIAL; Hereditary breast cancer; hereditary breast carcinoma. Identifiers: Orphanet 227535, MedGen C0346153, MONDO:0016419, OMIM 114480. Disease mechanism: loss of function.
Fanconi anemia complementation group J. Also called: BRIP1-Related Fanconi Anemia. Identifiers: Orphanet 84, MedGen C1836860, MONDO:0012187, OMIM 609054.

Submission:

Labcorp Genetics (formerly Invitae), Labcorp
Classification: Pathogenic for Familial cancer of breast; Fanconi anemia complementation group J. Last evaluated: 2019-06-12. Review status: criteria provided, single submitter. Criteria: Invitae Variant Classification Sherloc (09022015). Collection method: clinical testing. Allele origin: germline.
Comment: For these reasons, this variant has been classified as Pathogenic. Loss-of-function variants in BRIP1 are known to be pathogenic (PMID: 16116423, 17033622, 21964575). This variant has not been reported in the literature in individuals with BRIP1-related conditions. This variant is not present in population databases (ExAC no frequency). This sequence change creates a premature translational stop signal (p.Lys433Asnfs*16) in the BRIP1 gene. It is expected to result in an absent or disrupted protein product.

Literature cited by the submitters: PubMed 16116423; PubMed 17033622; PubMed 21964575.

NM_032043.3(BRIP1):c.1299_1302del (p.Lys433fs)

Gene: BRIP1 (BRCA1 interacting DNA helicase 1; minus strand). Cytogenetic location: 17q23.2.
Variant type: Deletion.
Coding change: c.1299_1302del on transcript NM_032043.3 (MANE Select); coding-DNA positions 1299 to 1302, 4 bases deleted (AGAT; older notation c.1299_1302delAGAT).
Protein change: p.Lys433fs; shifts the reading frame from lysine 433.
Molecular consequence: frameshift variant.
Genome position (GRCh38, 1-based): chr17:61,799,138-61,799,141, ATCT deleted on the plus strand (AGAT on the coding strand, the reverse complement: BRIP1 is on the minus strand). VCF-style (leftmost placement, unchanged base first): chr17-61799137-GATCT-G. GRCh37 (hg19) VCF-style: chr17-59876498-GATCT-G.
Other names: short protein forms K433fs.
Identifiers: ClinVar variation 944565 (VCV000944565.8), dbSNP rs2077947183, ClinGen allele CA1139665789.